The following is an entry in ClinVar:

ClinVar aggregate classification (germline): Conflicting classifications of pathogenicity. Review status: criteria provided, conflicting classifications (1 of 4 stars). 6 submissions from 6 submitters: Pathogenic (1); Uncertain significance (4); Likely benign (1). Last evaluated 2025-12-23.

Conditions:
Early-infantile DEE. Also called: Early infantile epileptic encephalopathy; Early infantile epileptic encephalopathy with suppression bursts; Ohtahara syndrome. Identifiers: Orphanet 1934, MedGen C0393706, MONDO:0800491.
Inborn genetic diseases. Identifiers: MedGen C0950123, MeSH D030342.

Allele frequency attached by ClinVar (database versions not stated): gnomAD exomes 0.00001; ExAC 0.00002.

Submissions (6):

GeneDx
Classification: Uncertain significance. Last evaluated: 2025-12-23. Review status: criteria provided, single submitter. Criteria: GeneDx Variant Classification Process June 2021. Collection method: clinical testing. Allele origin: germline. Affected: yes.
Comment: Reported in a patient with Dravet syndrome who inherited the variant from a parent; however, clinical information about the parent was not provided (PMID: 21248271); In silico analysis supports that this missense variant has a deleterious effect on protein structure/function; This substitution is predicted to be within the N-terminal cytoplasmic domain; This variant is associated with the following publications: (PMID: 32090326, 28150151, 35074891, 21248271)

Labcorp Genetics (formerly Invitae), Labcorp
Classification: Pathogenic for Early-infantile DEE. Last evaluated: 2025-11-25. Review status: criteria provided, single submitter. Criteria: Invitae Variant Classification Sherloc (09022015). Collection method: clinical testing. Allele origin: germline.
Comment: This sequence change replaces isoleucine, which is neutral and non-polar, with threonine, which is neutral and polar, at codon 68 of the SCN1A protein (p.Ile68Thr). This variant is present in population databases (rs758871507, gnomAD 0.002%). This missense change has been observed in individual(s) with Dravet syndrome (PMID: 21248271, 35074891). ClinVar contains an entry for this variant (Variation ID: 633408). Invitae Evidence Modeling of protein sequence and biophysical properties (such as structural, functional, and spatial information, amino acid conservation, physicochemical variation, residue mobility, and thermodynamic stability) indicates that this missense variant is expected to disrupt SCN1A protein function with a positive predictive value of 95%. For these reasons, this variant has been classified as Pathogenic.

Ambry Genetics
Classification: Likely benign for Inborn genetic diseases. Last evaluated: 2025-06-20. Review status: criteria provided, single submitter. Criteria: Ambry Variant Classification Scheme 2023. Collection method: clinical testing. Allele origin: germline.

CeGaT Center for Human Genetics Tuebingen
Classification: Uncertain significance. Last evaluated: 2024-04-01. Review status: criteria provided, single submitter. Criteria: CeGaT Center For Human Genetics Tuebingen Variant Classification Criteria Version 2. Collection method: clinical testing. Allele origin: germline. Affected: yes. Observed: 1 variant allele.
Comment: SCN1A: PM2, PS4:Moderate

Women's Health and Genetics/Laboratory Corporation of America, LabCorp
Classification: Uncertain significance. Last evaluated: 2023-07-17. Review status: criteria provided, single submitter. Criteria: LabCorp Variant Classification Summary - May 2015. Collection method: clinical testing. Allele origin: germline.
Comment: Variant summary: SCN1A c.203T>C (p.Ile68Thr) results in a non-conservative amino acid change in the encoded protein sequence. Four of five in-silico tools predict a damaging effect of the variant on protein function. The variant allele was found at a frequency of 8e-06 in 251470 control chromosomes (gnomAD). The available data on variant occurrences in the general population are insufficient to allow any conclusion about variant significance. c.203T>C has been reported in one individual with Dravet syndrome, without strong evidence for causality (Zuberi_2011). This report does not provide unequivocal conclusions about association of the variant with Borderline Severe Myoclonic Epilepsy Of Infancy. To our knowledge, no experimental evidence demonstrating an impact on protein function has been reported. The following publication has been ascertained in the context of this evaluation (PMID: 21248271). Three ClinVar submitters have assessed the variant since 2014: two classified the variant as uncertain significance and one as likely pathogenic. Based on the evidence outlined above, the variant was classified as uncertain significance.

Revvity Omics, Revvity
Classification: Uncertain significance. Last evaluated: 2020-05-29. Review status: criteria provided, single submitter. Criteria: ACMG Guidelines, 2015. Collection method: clinical testing. Allele origin: germline.

Literature cited by the submitters: PubMed 21248271 (cited by 3 submitters); PubMed 35074891 (cited by Labcorp Genetics (formerly Invitae), Labcorp); PubMed 31440721 (cited by Ambry Genetics); PubMed 35696452 (cited by Ambry Genetics).

NM_001165963.4(SCN1A):c.203T>C (p.Ile68Thr)

Gene: SCN1A (sodium voltage-gated channel alpha subunit 1; minus strand). Cytogenetic location: 2q24.3.
Variant type: single nucleotide variant.
Coding change: c.203T>C on transcript NM_001165963.4 (MANE Select); coding-DNA position 203, T replaced by C.
Protein change: p.Ile68Thr; replaces isoleucine 68 with threonine.
Molecular consequence: missense variant. On other transcripts: 5 prime UTR variant (1), non-coding transcript variant (1).
Genome position (GRCh38, 1-based): chr2:166,073,419, A>G on the plus strand (T>C on the coding strand, the complement: SCN1A is on the minus strand). VCF-style: chr2-166073419-A-G. GRCh37 (hg19) VCF-style: chr2-166929929-A-G.
Other names: c.203T>C, p.Ile68Thr (NM_001165964.3, NM_001202435.3, NM_001353948.2 and 10 more transcripts); c.-2223T>C (NM_001353961.2); short protein forms I68T.
Identifiers: ClinVar variation 633408 (VCV000633408.38), dbSNP rs758871507, ClinGen allele CA1943556.